The following is an entry in ClinVar:

NM_003060.4(SLC22A5):c.620A>G (p.Gln207Arg)

Gene: SLC22A5 (solute carrier family 22 member 5; plus strand). Cytogenetic location: 5q31.1.
Variant type: single nucleotide variant.
Coding change: c.620A>G on transcript NM_003060.4 (MANE Select); coding-DNA position 620, A replaced by G.
Protein change: p.Gln207Arg; replaces glutamine 207 with arginine.
Molecular consequence: missense variant.
Genome position (GRCh38, 1-based): chr5:132,384,269, A>G. VCF-style: chr5-132384269-A-G. GRCh37 (hg19) VCF-style: chr5-131719961-A-G.
Other names: c.692A>G, p.Gln231Arg (NM_001308122.2); short protein forms Q231R, Q207R.
Identifiers: ClinVar variation 2823461 (VCV002823461.3), dbSNP rs2532117630, ClinGen allele CA360804863.

ClinVar aggregate classification (germline): Pathogenic (1 of 4 stars; one submission).

Conditions:
Renal carnitine transport defect (CDSP). Also called: CARNITINE DEFICIENCY, SYSTEMIC, DUE TO DEFECT IN RENAL REABSORPTION OF CARNITINE; CARNITINE TRANSPORTER, PLASMA-MEMBRANE, DEFICIENCY OF; CARNITINE UPTAKE DEFECT; Primary carnitine deficiency; Systemic primary carnitine deficiency; Systemic primary carnitine deficiency disease. Identifiers: Orphanet 158, MedGen C0342788, MONDO:0008919, OMIM 212140.

Submission:

Labcorp Genetics (formerly Invitae), Labcorp
Classification: Pathogenic for Renal carnitine transport defect. Last evaluated: 2023-07-11. Review status: criteria provided, single submitter. Criteria: Invitae Variant Classification Sherloc (09022015). Collection method: clinical testing. Allele origin: germline.
Comment: Advanced modeling of protein sequence and biophysical properties (such as structural, functional, and spatial information, amino acid conservation, physicochemical variation, residue mobility, and thermodynamic stability) performed at Invitae indicates that this missense variant is expected to disrupt SLC22A5 protein function. For these reasons, this variant has been classified as Pathogenic. This missense change has been observed in individual(s) with clinical features of primary carnitine deficiency (Invitae). In at least one individual the data is consistent with being in trans (on the opposite chromosome) from a pathogenic variant. This sequence change replaces glutamine, which is neutral and polar, with arginine, which is basic and polar, at codon 207 of the SLC22A5 protein (p.Gln207Arg). This variant is not present in population databases (gnomAD no frequency).